The following is an entry in ClinVar:

ClinVar aggregate classification (germline): Uncertain significance (1 of 4 stars; one submission).

gnomAD v4.1: 7 of 1,613,968 alleles (0.00043%); highest among the groups gnomAD compares: South Asian, 0.0022%; no homozygotes.

Submission:

Dasa
Classification: Uncertain significance. Last evaluated: 2026-07-24. Review status: criteria provided, single submitter. Criteria: DASA Assertion Criteria. Collection method: clinical testing. Allele origin: germline.
Comment: NM_000208.4(INSR):c.1163T>C (p.Ile388Thr) is a missense variant that results in the substitution of isoleucine with threonine. This variant is rare in population databases. Computational prediction algorithms are consistent with a deleterious effect. The currently available literature and clinical evidence are not sufficient to establish a definitive association between this variant and the reported condition. Therefore, this variant is classified as a variant of uncertain significance.

NM_000208.4(INSR):c.1163T>C (p.Ile388Thr)

Gene: INSR (insulin receptor; minus strand). Cytogenetic location: 19p13.2.
Variant type: single nucleotide variant.
Coding change: c.1163T>C on transcript NM_000208.4 (MANE Select); coding-DNA position 1163, T replaced by C.
Protein change: p.Ile388Thr; replaces isoleucine 388 with threonine.
Molecular consequence: missense variant.
Genome position (GRCh38, 1-based): chr19:7,172,395, A>G on the plus strand (T>C on the coding strand, the complement: INSR is on the minus strand). VCF-style: chr19-7172395-A-G. GRCh37 (hg19) VCF-style: chr19-7172406-A-G.
Other names: c.1163T>C, p.Ile388Thr (NM_001079817.3); short protein forms I388T.
Identifiers: ClinVar variation 5020139 (VCV005020139.1).